The following is an entry in ClinVar:

NM_001042492.3(NF1):c.3496+5G>A

Gene: NF1 (neurofibromin 1; plus strand). Cytogenetic location: 17q11.2.
Variant type: single nucleotide variant.
Coding change: c.3496+5G>A on transcript NM_001042492.3 (MANE Select); 5 bases into the intron after coding-DNA position 3496, G replaced by A.
Molecular consequence: intron variant.
Genome position (GRCh38, 1-based): chr17:31,232,886, G>A. VCF-style: chr17-31232886-G-A. GRCh37 (hg19) VCF-style: chr17-29559904-G-A.
Other names: c.3496+5G>A (NM_000267.4).
Identifiers: ClinVar variation 566489 (VCV000566489.13), dbSNP rs786202564, ClinGen allele CA645578918.

ClinVar aggregate classification (germline): Conflicting classifications of pathogenicity. Review status: criteria provided, conflicting classifications (1 of 4 stars). 4 submissions from 4 submitters: Likely pathogenic (2); Uncertain significance (2). Last evaluated 2026-06-30.

Conditions:
Cardiovascular phenotype. Identifiers: MedGen CN230736.
Hereditary cancer-predisposing syndrome. Also called: Hereditary Cancer Syndrome; Tumor predisposition; Hereditary neoplastic syndrome; Neoplastic Syndromes, Hereditary. Identifiers: Orphanet 140162, MedGen C0027672, MeSH D009386, MONDO:0015356.
Neurofibromatosis, type 1 (NF1). Also called: Peripheral type neurofibromatosis; Neurofibromatosis, type I; VON RECKLINGHAUSEN DISEASE; NEUROFIBROMATOSIS, TYPE I, SOMATIC. Identifiers: Orphanet 636, MedGen C0027831, MONDO:0018975, OMIM 162200. Disease mechanism: loss of function.

Submissions (4):

Ambry Genetics
Classification: Likely pathogenic for Cardiovascular phenotype; Hereditary cancer-predisposing syndrome. Last evaluated: 2026-06-30. Review status: criteria provided, single submitter. Criteria: Ambry Variant Classification Scheme 2023. Collection method: clinical testing. Allele origin: germline.
Comment: The c.3496+5G>A intronic variant results from a G to A substitution 5 nucleotides after coding exon 26 in the NF1 gene. This variant was reported in individual(s) with features consistent with neurofibromatosis type 1; in at least one individual, it was determined to be de novo (Morbidoni V et al. Cancers (Basel), 2021 Feb;13; Ambry internal data). Other variant(s) impacting the same donor site (c.3496+5G>C) have been identified in individual(s) with features consistent with neurofibromatosis type 1 (Wimmer K et al. Hum Mutat, 2007 Jun;28:599-612; Pros E et al. Hum Mutat, 2008 Sep;29:E173-93; external communication; Ambry internal data). This nucleotide position is well conserved in available vertebrate species. In silico splice site analysis predicts that this alteration will weaken the native splice donor site; however, direct evidence is insufficient at this time (Ambry internal data). This variant is considered to be rare based on population cohorts in the Genome Aggregation Database (gnomAD). Based on the majority of available evidence to date, this variant is likely to be pathogenic.

Labcorp Genetics (formerly Invitae), Labcorp
Classification: Uncertain significance for Neurofibromatosis, type 1. Last evaluated: 2024-05-28. Review status: criteria provided, single submitter. Criteria: Invitae Variant Classification Sherloc (09022015). Collection method: clinical testing. Allele origin: germline.
Comment: This sequence change falls in intron 26 of the NF1 gene. It does not directly change the encoded amino acid sequence of the NF1 protein. It affects a nucleotide within the consensus splice site. This variant is not present in population databases (gnomAD no frequency). This variant has not been reported in the literature in individuals affected with NF1-related conditions. ClinVar contains an entry for this variant (Variation ID: 566489). Variants that disrupt the consensus splice site are a relatively common cause of aberrant splicing (PMID: 17576681, 9536098). Algorithms developed to predict the effect of sequence changes on RNA splicing suggest that this variant may disrupt the consensus splice site. This variant disrupts the c.3496+5G>C nucleotide in the NF1 gene. Other variant(s) that disrupt this nucleotide have been determined to be pathogenic (PMID: 18546366; Invitae). This suggests that this nucleotide is clinically significant, and that variants that disrupt this position are likely to be disease-causing. In summary, the available evidence is currently insufficient to determine the role of this variant in disease. Therefore, it has been classified as a Variant of Uncertain Significance.

GeneDx
Classification: Likely pathogenic. Last evaluated: 2023-09-08. Review status: criteria provided, single submitter. Criteria: GeneDx Variant Classification Process June 2021. Collection method: clinical testing. Allele origin: germline. Affected: yes.
Comment: Published functional studies demonstrate aberrant splicing leading to a predicted null allele in the majority of transcripts, with a minor amount of residual full-length transcript present (Morbidoni et al., 2021); Not observed at significant frequency in large population cohorts (gnomAD); This variant is associated with the following publications: (PMID: 33673681)

Genome-Nilou Lab
Classification: Uncertain significance for Neurofibromatosis, type 1. Last evaluated: 2022-03-15. Review status: criteria provided, single submitter. Criteria: ACMG Guidelines, 2015. Collection method: clinical testing. Allele origin: germline. Affected: no.

Literature cited by the submitters: PubMed 33673681 (cited by Ambry Genetics); PubMed 17576681 (cited by Labcorp Genetics (formerly Invitae), Labcorp); PubMed 9536098 (cited by Labcorp Genetics (formerly Invitae), Labcorp); PubMed 18546366 (cited by Labcorp Genetics (formerly Invitae), Labcorp).